The following is an entry in ClinVar:

NM_000138.5(FBN1):c.1714+2del

Gene: FBN1 (fibrillin 1; minus strand). Cytogenetic location: 15q21.1.
Variant type: Deletion.
Coding change: c.1714+2del on transcript NM_000138.5 (MANE Select); the canonical splice donor site of the intron after coding-DNA position 1714, one base deleted (T; older notation c.1714+2delT).
Molecular consequence: splice donor variant.
Genome position (GRCh38, 1-based): chr15:48,510,042, A deleted on the plus strand (T on the coding strand, the reverse complement: FBN1 is on the minus strand). VCF-style (leftmost placement, unchanged base first): chr15-48510041-TA-T. GRCh37 (hg19) VCF-style: chr15-48802238-TA-T.
Other names: c.1714+2delT (NM_000138.4); c.1714+2del (NM_001406716.1).
Identifiers: ClinVar variation 228261 (VCV000228261.4), dbSNP rs876657645, ClinGen allele CA10576991.

ClinVar aggregate classification (germline): Likely pathogenic (1 of 4 stars; one submission).

Conditions:
Marfan syndrome (MFS). Also called: MARFAN SYNDROME, TYPE I; FBN1-Related Marfan Syndrome; Marfan syndrome, classic; Marfan syndrome type 1; Marfan's syndrome. Identifiers: Orphanet 284963, Orphanet 558, MedGen C0024796, MONDO:0007947, OMIM 154700.

Submission:

Laboratory for Molecular Medicine, Mass General Brigham Personalized Medicine
Classification: Likely pathogenic for Marfan syndrome. Last evaluated: 2016-01-29. Review status: criteria provided, single submitter. Criteria: LMM Criteria. Collection method: clinical testing. Allele origin: germline. Inheritance: Autosomal dominant inheritance. Observed: 1 variant allele.
Comment: proposed classification - variant undergoing re-assessment, contact laboratory